The following is an entry in ClinVar:

ClinVar aggregate classification (germline): Uncertain significance. Review status: criteria provided, single submitter (1 of 4 stars). 2 submissions from 2 submitters: Uncertain significance (1). 1 of the submissions does not count toward it. Last evaluated 2025-07-13.

Conditions:
Inborn genetic diseases. Identifiers: MedGen C0950123, MeSH D030342.
BAZ2B-related disorder. Also called: BAZ2B-related condition.

Allele frequency attached by ClinVar (database versions not stated): ExAC 0.00004; TOPMed 0.00008; gnomAD 0.00009; gnomAD exomes 0.00001.
gnomAD v4.1: 28 of 1,613,076 alleles (0.0017%); highest among the groups gnomAD compares: African/African-American, 0.035%; no homozygotes.

Submissions (2):

Ambry Genetics
Classification: Uncertain significance for Inborn genetic diseases. Last evaluated: 2025-07-13. Review status: criteria provided, single submitter. Criteria: Ambry Variant Classification Scheme 2023. Collection method: clinical testing. Allele origin: germline.

PreventionGenetics, part of Exact Sciences
Classification: Uncertain significance for BAZ2B-related condition. Last evaluated: 2023-12-26. Review status: no assertion criteria provided. Collection method: clinical testing. Allele origin: germline. Not counted in ClinVar's aggregate classification.
Comment: The BAZ2B c.2290C>T variant is predicted to result in the amino acid substitution p.Leu764Phe. To our knowledge, this variant has not been reported in the literature. This variant is reported in 0.021% of alleles in individuals of African descent in gnomAD. At this time, the clinical significance of this variant is uncertain due to the absence of conclusive functional and genetic evidence.

NM_013450.4(BAZ2B):c.2296C>T (p.Leu766Phe)

Gene: BAZ2B (bromodomain adjacent to zinc finger domain 2B; minus strand). Cytogenetic location: 2q24.2.
Variant type: single nucleotide variant.
Coding change: c.2296C>T on transcript NM_013450.4 (MANE Select); coding-DNA position 2296, C replaced by T.
Protein change: p.Leu766Phe; replaces leucine 766 with phenylalanine.
Molecular consequence: missense variant.
Genome position (GRCh38, 1-based): chr2:159,428,379, G>A on the plus strand (C>T on the coding strand, the complement: BAZ2B is on the minus strand). VCF-style: chr2-159428379-G-A. GRCh37 (hg19) VCF-style: chr2-160284890-G-A.
Other names: c.2290C>T, p.Leu764Phe (NM_001289975.1); c.2107C>T, p.Leu703Phe (NM_001329857.2); c.2296C>T, p.Leu766Phe (NM_001329858.2); c.2296C>T (NM_013450.2); short protein forms L703F, L764F, L766F.
Identifiers: ClinVar variation 3053947 (VCV003053947.3), dbSNP rs769049985, ClinGen allele CA1924708.
Genomic context (GRCh38, chr2:159,428,379, plus strand): 5'-CTTCAGGGTACTGCCTAAGTTTCTTTCCACATGGAGCATAATATGCTACTTCTCCTTGAA[G>A]GCGCCCTCCAAAGTTTCTTATTCTTGTCTCTCTCTGCCAGCTACACATAACAGAAATGAA-3'
Protein context (NP_038478.2, residues 756-776): ETRIRNFGGR[Leu766Phe]QGEVAYYAPC